The following is an entry in ClinVar:

NM_031206.7(LAS1L):c.1911A>G (p.Ala637=)

Gene: LAS1L (LAS1 like ribosome biogenesis factor; minus strand). Cytogenetic location: Xq12.
Variant type: single nucleotide variant.
Coding change: c.1911A>G on transcript NM_031206.7 (MANE Select); coding-DNA position 1911, A replaced by G.
Protein change: p.Ala637=; no amino-acid change (alanine 637 retained).
Molecular consequence: synonymous variant. On other transcripts: non-coding transcript variant (1).
Genome position (GRCh38, 1-based): chrX:65,518,003, T>C on the plus strand (A>G on the coding strand, the complement: LAS1L is on the minus strand). VCF-style: chrX-65518003-T-C. GRCh37 (hg19) VCF-style: chrX-64737883-T-C.
Other names: c.1860A>G, p.Ala620= (NM_001170649.2, NM_001375333.1); c.1734A>G, p.Ala578= (NM_001170650.2); c.1911A>G, p.Ala637= (NM_001375328.1); c.954A>G, p.Ala318= (NM_001375332.1).
Identifiers: ClinVar variation 1131100 (VCV001131100.33), dbSNP rs201733607, ClinGen allele CA10433859.
Genomic context (GRCh38, chrX:65,518,003, plus strand): 5'-GCCAAAGAGAAAAGAAGTCCATGTGGGGACAAAGTAGTTCTTACCTGAGCTAACCTGCCA[T>C]GCAGAGCCCTGCAAAGCTCCTCTTTTCTGGGCCAGAAGCCTAGCATTCTCGGCAGTGGGG-3'
Protein context (NP_112483.1, residues 627-647): AQKRGALQGS[Ala637=]WQVSSEDVRW

ClinVar aggregate classification (germline): Likely benign. Review status: criteria provided, multiple submitters, no conflicts (2 of 4 stars). 2 submissions from 2 submitters: Likely benign (2). Last evaluated 2025-05-19.

Conditions:
Wilson-Turner syndrome (WTS). Also called: INTELLECTUAL DEVELOPMENTAL DISORDER, X-LINKED, SYNDROMIC, WILSON-TURNER TYPE; MENTAL RETARDATION, X-LINKED, SYNDROMIC 6. Identifiers: Orphanet 3459, MedGen C1839736, MONDO:0010665, OMIM 309585.

Allele frequency attached by ClinVar (database versions not stated): gnomAD exomes 0.00008; ESP Exome Variant Server 0.00009; ExAC 0.00011; TOPMed 0.00015; 1000 Genomes Project 30x 0.00021; 1000 Genomes Project 0.00026; gnomAD 0.00006.
gnomAD v4.1: 165 of 1,203,980 alleles (0.014%); highest among the groups gnomAD compares: Middle Eastern, 0.023%; no homozygotes.

Submissions (2):

Labcorp Genetics (formerly Invitae), Labcorp
Classification: Likely benign for Wilson-Turner syndrome. Last evaluated: 2025-05-19. Review status: criteria provided, single submitter. Criteria: Invitae Variant Classification Sherloc (09022015). Collection method: clinical testing. Allele origin: germline.

CeGaT Center for Human Genetics Tuebingen
Classification: Likely benign. Last evaluated: 2024-09-01. Review status: criteria provided, single submitter. Criteria: CeGaT Center For Human Genetics Tuebingen Variant Classification Criteria Version 2. Collection method: clinical testing. Allele origin: germline. Affected: yes. Observed: 2 variant alleles.
Comment: LAS1L: BP4, BP7, BS2